The following is an entry in ClinVar:

NM_005045.4(RELN):c.3050C>T (p.Thr1017Ile)

Gene: RELN (reelin; minus strand). Cytogenetic location: 7q22.1.
Variant type: single nucleotide variant.
Coding change: c.3050C>T on transcript NM_005045.4 (MANE Select); coding-DNA position 3050, C replaced by T.
Protein change: p.Thr1017Ile; replaces threonine 1017 with isoleucine.
Molecular consequence: missense variant.
Genome position (GRCh38, 1-based): chr7:103,604,442, G>A on the plus strand (C>T on the coding strand, the complement: RELN is on the minus strand). VCF-style: chr7-103604442-G-A. GRCh37 (hg19) VCF-style: chr7-103244889-G-A.
Other names: c.3050C>T, p.Thr1017Ile (NM_173054.3); short protein forms T1017I.
Identifiers: ClinVar variation 2099889 (VCV002099889.4), dbSNP rs2484737406, ClinGen allele CA368763848.
Genomic context (GRCh38, chr7:103,604,442, plus strand): 5'-CACATGTTGGGGCACTGCTGCCCAATGTAAATGCTGTCCAAAGCCCACTCGTCTTGAGCT[G>A]TGTAATAGCTCTGGCTCCAGCGGAAACGGGTAGCACTGGACCTAGAAACACGGTATAGTA-3'
Protein context (NP_005036.2, residues 1007-1027): TRFRWSQSYY[Thr1017Ile]AQDEWALDSI

ClinVar aggregate classification (germline): Uncertain significance (1 of 4 stars; one submission).

Conditions:
Familial temporal lobe epilepsy 7. Identifiers: Orphanet 101046, MedGen C4225327, MONDO:0014639, OMIM 616436.
Norman-Roberts syndrome (LIS2). Also called: Lissencephaly 2 (Norman-Roberts type). Identifiers: Orphanet 89844, MedGen C0796089, MONDO:0009760, OMIM 257320.

Allele frequency attached by ClinVar (database versions not stated): gnomAD exomes below 0.00001.
gnomAD v4.1: 1 of 1,613,826 alleles (0.000062%); highest among the groups gnomAD compares: South Asian, 0.0011%; no homozygotes.

Submission:

Labcorp Genetics (formerly Invitae), Labcorp
Classification: Uncertain significance for Familial temporal lobe epilepsy 7; Norman-Roberts syndrome. Last evaluated: 2022-02-20. Review status: criteria provided, single submitter. Criteria: Invitae Variant Classification Sherloc (09022015). Collection method: clinical testing. Allele origin: germline.
Comment: Algorithms developed to predict the effect of missense changes on protein structure and function are either unavailable or do not agree on the potential impact of this missense change (SIFT: "Deleterious"; PolyPhen-2: "Probably Damaging"; Align-GVGD: "Class C0"). In summary, the available evidence is currently insufficient to determine the role of this variant in disease. Therefore, it has been classified as a Variant of Uncertain Significance. This variant has not been reported in the literature in individuals affected with RELN-related conditions. This variant is not present in population databases (gnomAD no frequency). This sequence change replaces threonine, which is neutral and polar, with isoleucine, which is neutral and non-polar, at codon 1017 of the RELN protein (p.Thr1017Ile).